The following is an entry in ClinVar:

ClinVar aggregate classification (germline): Pathogenic. Review status: criteria provided, multiple submitters, no conflicts (2 of 4 stars). 2 submissions from 2 submitters: Pathogenic (2). Last evaluated 2019-01-01.

Conditions:
Clark-Baraitser syndrome. Also called: MENTAL RETARDATION, AUTOSOMAL DOMINANT 49; BARAITSER SYNDROME; Mental retardation, tall stature, obesity, macrocephaly and typical facial features; Intellectual disability, autosomal dominant 49. Identifiers: Orphanet 600731, MedGen C2931130, MONDO:0030914, OMIM 617752.

Submissions (2):

Institute of Human Genetics, University of Leipzig Medical Center
Classification: Pathogenic for Clark-Baraitser syndrome. Last evaluated: 2019-01-01. Review status: criteria provided, single submitter. Criteria: ACMG Guidelines, 2015. Collection method: clinical testing. Allele origin: de novo. Affected: yes.
Comment: This variant was identified as de novo.

GeneDx
Classification: Pathogenic. Last evaluated: 2017-12-29. Review status: criteria provided, single submitter. Criteria: GeneDx Variant Classification (06012015). Collection method: clinical testing. Allele origin: germline. Affected: yes.
Comment: The R503X variant in the TRIP12 gene has not been reported previously as a pathogenic variant nor as a benign variant, to our knowledge. This variant is predicted to cause loss of normal protein function either through protein truncation or nonsense-mediated mRNA decay. The R503X variant is not observed in large population cohorts (Lek et al., 2016).

NM_001348323.3(TRIP12):c.1651C>T (p.Arg551Ter)

Gene: TRIP12 (thyroid hormone receptor interactor 12; minus strand). Cytogenetic location: 2q36.3.
Variant type: single nucleotide variant.
Coding change: c.1651C>T on transcript NM_001348323.3 (MANE Select); coding-DNA position 1651, C replaced by T.
Protein change: p.Arg551Ter; replaces arginine 551 with a stop codon.
Molecular consequence: nonsense.
Genome position (GRCh38, 1-based): chr2:229,815,179, G>A on the plus strand (C>T on the coding strand, the complement: TRIP12 is on the minus strand). VCF-style: chr2-229815179-G-A. GRCh37 (hg19) VCF-style: chr2-230679895-G-A.
Other names: c.1651C>T, p.Arg551Ter (NM_001284214.2, NM_001348315.2, NM_001348319.1 and 11 more transcripts); c.1525C>T, p.Arg509Ter (NM_001284215.2, NM_001348316.2, NM_001348317.1 and 2 more transcripts); c.616C>T, p.Arg206Ter (NM_001284216.2); c.1564C>T, p.Arg522Ter (NM_001348332.1); c.1507C>T, p.Arg503Ter (NM_004238.3); short protein forms R503*, R551*, R206*, R509*, R522*.
Identifiers: ClinVar variation 489242 (VCV000489242.3), dbSNP rs1553636520, ClinGen allele CA350922484.